The following is an entry in ClinVar:

ClinVar aggregate classification (germline): Uncertain significance (1 of 4 stars; one submission).

Conditions:
Inborn genetic diseases. Identifiers: MedGen C0950123, MeSH D030342.

Submission:

Ambry Genetics
Classification: Uncertain significance for Inborn genetic diseases. Last evaluated: 2025-01-31. Review status: criteria provided, single submitter. Criteria: Ambry Variant Classification Scheme 2023. Collection method: clinical testing. Allele origin: germline.
Comment: The p.R121G variant (also known as c.361A>G), located in coding exon 2 of the ERCC6L2 gene, results from an A to G substitution at nucleotide position 361. The arginine at codon 121 is replaced by glycine, an amino acid with dissimilar properties. This amino acid position is conserved. In addition, this alteration is predicted to be deleterious by in silico analysis. Based on the available evidence, the clinical significance of this variant remains unclear.

NM_020207.7(ERCC6L2):c.361A>G (p.Arg121Gly)

Gene: ERCC6L2 (ERCC excision repair 6 like 2; plus strand). Cytogenetic location: 9q22.32.
Variant type: single nucleotide variant.
Coding change: c.361A>G on transcript NM_020207.7 (MANE Select); coding-DNA position 361, A replaced by G.
Protein change: p.Arg121Gly; replaces arginine 121 with glycine.
Molecular consequence: missense variant. On other transcripts: non-coding transcript variant (1).
Genome position (GRCh38, 1-based): chr9:95,881,183, A>G. VCF-style: chr9-95881183-A-G. GRCh37 (hg19) VCF-style: chr9-98643465-A-G.
Other names: c.361A>G, p.Arg121Gly (NM_001010895.4, NM_001375291.1, NM_001375292.1 and 2 more transcripts); short protein forms R121G.
Identifiers: ClinVar variation 3845904 (VCV003845904.1).